The following is an entry in ClinVar:

NR_002825.2(SIGLEC16):n.673G>A

Gene: SIGLEC16 (sialic acid binding Ig like lectin 16 (gene/pseudogene); plus strand). Cytogenetic location: 19q13.33.
Variant type: single nucleotide variant.
Molecular consequence: missense variant (on NM_001348364.2). On other transcripts: non-coding transcript variant (1).
Genome position: GRCh38 VCF-style: chr19-49970473-G-A. GRCh37 (hg19) VCF-style: chr19-50473730-G-A.
Other names: c.575G>A, p.Arg192Lys (NM_001348364.2); short protein forms R192K.
Identifiers: ClinVar variation 2650295 (VCV002650295.24), dbSNP rs544619308, ClinGen allele CA9590427.
Genomic context (GRCh38, chr19:49,970,473, plus strand): 5'-AGAAATGTCCAGCCCCTTCTTTCTCCTGGACGGGGGCTGCCCTCTCCCCTAGAAGAACCA[G>A]ACCAAGCACCTCCCACTTCTCAGTGCTCAGCTTCACGCCCAGCCCCCAGGACCACGACAC-3'

ClinVar aggregate classification (germline): Likely benign (1 of 4 stars; one submission).

Allele frequency attached by ClinVar (database versions not stated): 1000 Genomes Project 30x 0.00141; 1000 Genomes Project 0.00180; ExAC 0.00269.

Submission:

CeGaT Center for Human Genetics Tuebingen
Classification: Likely benign. Last evaluated: 2025-04-01. Review status: criteria provided, single submitter. Criteria: CeGaT Center For Human Genetics Tuebingen Variant Classification Criteria Version 2. Collection method: clinical testing. Allele origin: germline. Affected: yes. Observed: 4 variant alleles.
Comment: SIGLEC16: BS2